The following is an entry in ClinVar:

ClinVar aggregate classification (germline): Conflicting classifications of pathogenicity. Review status: criteria provided, conflicting classifications (1 of 4 stars). 6 submissions from 6 submitters: Uncertain significance (2); Likely benign (2). 2 of the submissions do not count toward it. Last evaluated 2025-08-13.

Conditions:
Zellweger spectrum disorders (ZS). Also called: Zellweger syndrome; Zellweger Spectrum Disorder; Zellweger Spectrum; Zellweger Spectrum Disorder (ZSD). Identifiers: Orphanet 912, MedGen C0043459, MONDO:0019609.
Peroxisome biogenesis disorder. Identifiers: Orphanet 79189, MedGen C1832200, MONDO:0019234. Disease mechanism: loss of function.
PEX6-related disorder. Also called: PEX6-related condition; PEX6-related disorders.

Allele frequency attached by ClinVar (database versions not stated): gnomAD exomes 0.00001 and 0.00004; ExAC 0.00004; gnomAD 0.00021 and 0.00026; TOPMed 0.00029; ESP Exome Variant Server 0.00038.

Submissions (6):

Mayo Clinic Laboratories, Mayo Clinic
Classification: Likely benign. Last evaluated: 2025-08-13. Review status: criteria provided, single submitter. Criteria: ACMG Guidelines, 2015. Collection method: clinical testing. Allele origin: germline. Observed: 2 variant alleles.
Comment: BP4, BP7

Blueprint Genetics
Classification: Likely benign. Last evaluated: 2022-11-08. Review status: criteria provided, single submitter. Criteria: ACMG Guidelines, 2015. Collection method: clinical testing. Allele origin: germline.

Labcorp Genetics (formerly Invitae), Labcorp
Classification: Uncertain significance for Peroxisome biogenesis disorder. Last evaluated: 2022-09-01. Review status: criteria provided, single submitter. Criteria: Invitae Variant Classification Sherloc (09022015). Collection method: clinical testing. Allele origin: germline.
Comment: This sequence change falls in intron 8 of the PEX6 gene. It does not directly change the encoded amino acid sequence of the PEX6 protein. It affects a nucleotide within the consensus splice site. This variant is present in population databases (rs377041406, gnomAD 0.06%). This variant has not been reported in the literature in individuals affected with PEX6-related conditions. ClinVar contains an entry for this variant (Variation ID: 500382). Variants that disrupt the consensus splice site are a relatively common cause of aberrant splicing (PMID: 17576681, 9536098). Algorithms developed to predict the effect of sequence changes on RNA splicing suggest that this variant is not likely to affect RNA splicing. In summary, the available evidence is currently insufficient to determine the role of this variant in disease. Therefore, it has been classified as a Variant of Uncertain Significance.

Eurofins Ntd Llc (ga)
Classification: Uncertain significance. Last evaluated: 2017-02-07. Review status: criteria provided, single submitter. Criteria: EGL Classification Definitions 2015. Collection method: clinical testing. Allele origin: germline. Observed: 1 variant allele, 1 heterozygote.

PreventionGenetics, part of Exact Sciences
Classification: Likely benign for PEX6-related condition. Last evaluated: 2021-07-04. Review status: no assertion criteria provided. Collection method: clinical testing. Allele origin: germline. Not counted in ClinVar's aggregate classification.
Comment: This variant is classified as likely benign based on ACMG/AMP sequence variant interpretation guidelines (Richards et al. 2015 PMID: 25741868, with internal and published modifications).

Natera, Inc.
Classification: Uncertain significance for Zellweger syndrome. Last evaluated: 2019-10-28. Review status: no assertion criteria provided. Collection method: clinical testing. Allele origin: germline. Not counted in ClinVar's aggregate classification.

Literature cited by the submitters: PubMed 17576681 (cited by Labcorp Genetics (formerly Invitae), Labcorp); PubMed 9536098 (cited by Labcorp Genetics (formerly Invitae), Labcorp).

NM_000287.4(PEX6):c.1884+3G>A

Gene: PEX6 (peroxisomal biogenesis factor 6; minus strand). Cytogenetic location: 6p21.1.
Variant type: single nucleotide variant.
Coding change: c.1884+3G>A on transcript NM_000287.4 (MANE Select); 3 bases into the intron after coding-DNA position 1884, G replaced by A.
Molecular consequence: intron variant.
Genome position (GRCh38, 1-based): chr6:42,967,365, C>T on the plus strand (G>A on the coding strand, the complement: PEX6 is on the minus strand). VCF-style: chr6-42967365-C-T. GRCh37 (hg19) VCF-style: chr6-42935103-C-T.
Other names: p.?; c.1620+3G>A (NM_001316313.2); c.1884+3G>A (NM_000287.3).
Identifiers: ClinVar variation 500382 (VCV000500382.13), dbSNP rs377041406, ClinGen allele CA3811199.